The following is an entry in ClinVar:

ClinVar aggregate classification (germline): Uncertain significance (1 of 4 stars; one submission).

Conditions:
Epidermolysis bullosa simplex 5B, with muscular dystrophy (EBS5B). Also called: EPIDERMOLYSIS BULLOSA SIMPLEX AND LIMB-GIRDLE MUSCULAR DYSTROPHY; Epidermolysis bullosa simplex with muscular dystrophy. Identifiers: Orphanet 257, MedGen C2931072, MONDO:0009181, OMIM 226670.
Epidermolysis bullosa simplex, Ogna type (EBS5A). Also called: EPIDERMOLYSIS BULLOSA SIMPLEX 5A, OGNA TYPE; Pidermolysis bullosa simplex 5A, Ogna type. Identifiers: Orphanet 79401, MedGen C0432317, MONDO:0007555, OMIM 131950.
Epidermolysis bullosa simplex with nail dystrophy (EBS5D). Identifiers: MedGen C4225309, MONDO:0014661, OMIM 616487.
Autosomal recessive limb-girdle muscular dystrophy type 2Q (LGMDR17). Also called: MUSCULAR DYSTROPHY, LIMB-GIRDLE, AUTOSOMAL RECESSIVE 17. Identifiers: Orphanet 254361, MedGen C3150989, MONDO:0013390, OMIM 613723.
Epidermolysis bullosa simplex 5C, with pyloric atresia (EBS5C). Also called: Epidermolysis bullosa simplex with pyloric atresia; PLEC-Related Epidermolysis Bullosa with Pyloric Atresia; PLEC1-Related Epidermolysis Bullosa with Pyloric Atresia. Identifiers: Orphanet 158684, MedGen C2677349, MONDO:0012807, OMIM 612138.

Allele frequency attached by ClinVar (database versions not stated): gnomAD exomes below 0.00001; ExAC 0.00001; TOPMed 0.00002.
gnomAD v4.1: 8 of 1,600,008 alleles (0.0005%); highest among the groups gnomAD compares: Admixed American, 0.0084%; no homozygotes.

Submission:

Labcorp Genetics (formerly Invitae), Labcorp
Classification: Uncertain significance for Autosomal recessive limb-girdle muscular dystrophy type 2Q; Epidermolysis bullosa simplex, Ogna type; Epidermolysis bullosa simplex with nail dystrophy; Epidermolysis bullosa simplex 5C, with pyloric atresia; Epidermolysis bullosa simplex 5B, with muscular dystrophy. Last evaluated: 2023-08-11. Review status: criteria provided, single submitter. Criteria: Invitae Variant Classification Sherloc (09022015). Collection method: clinical testing. Allele origin: germline.
Comment: In summary, the available evidence is currently insufficient to determine the role of this variant in disease. Therefore, it has been classified as a Variant of Uncertain Significance. Advanced modeling of protein sequence and biophysical properties (such as structural, functional, and spatial information, amino acid conservation, physicochemical variation, residue mobility, and thermodynamic stability) performed at Invitae indicates that this missense variant is not expected to disrupt PLEC protein function. ClinVar contains an entry for this variant (Variation ID: 1417783). This variant has not been reported in the literature in individuals affected with PLEC-related conditions. The frequency data for this variant in the population databases is considered unreliable, as metrics indicate poor data quality at this position in the gnomAD database. This sequence change replaces glutamine, which is neutral and polar, with lysine, which is basic and polar, at codon 968 of the PLEC protein (p.Gln968Lys).

NM_201384.3(PLEC):c.2821C>A (p.Gln941Lys)

Gene: PLEC (plectin; minus strand). Cytogenetic location: 8q24.3.
Variant type: single nucleotide variant.
Coding change: c.2821C>A on transcript NM_201384.3 (MANE Select); coding-DNA position 2821, C replaced by A.
Protein change: p.Gln941Lys; replaces glutamine 941 with lysine.
Molecular consequence: missense variant.
Genome position (GRCh38, 1-based): chr8:143,929,748, G>T on the plus strand (C>A on the coding strand, the complement: PLEC is on the minus strand). VCF-style: chr8-143929748-G-T. GRCh37 (hg19) VCF-style: chr8-145003916-G-T.
Other names: c.2902C>A, p.Gln968Lys (NM_000445.5); c.2779C>A, p.Gln927Lys (NM_201378.4); c.2755C>A, p.Gln919Lys (NM_201379.3); c.3232C>A, p.Gln1078Lys (NM_201380.4); c.2725C>A, p.Gln909Lys (NM_201381.3); c.2821C>A, p.Gln941Lys (NM_201382.4); c.2833C>A, p.Gln945Lys (NM_201383.3); short protein forms Q927K, Q941K, Q909K, Q945K, Q968K, Q1078K, Q919K.
Identifiers: ClinVar variation 1417783 (VCV001417783.8), dbSNP rs782717897, ClinGen allele CA4927335.